The following is an entry in ClinVar:

NM_001282531.3(ADNP):c.2163_2164dup (p.Met722fs)

Gene: ADNP (activity dependent neuroprotector homeobox; minus strand). Cytogenetic location: 20q13.13.
Variant type: Duplication.
Coding change: c.2163_2164dup on transcript NM_001282531.3 (MANE Select); coding-DNA positions 2163 to 2164, 2 bases duplicated (AA; older notation c.2163_2164dupAA).
Protein change: p.Met722fs; shifts the reading frame from methionine 722.
Molecular consequence: frameshift variant.
Genome position (GRCh38, 1-based): chr20:50,892,550-50,892,551, TT duplicated on the plus strand (AA on the coding strand, the reverse complement: ADNP is on the minus strand); duplicating any 2 consecutive bases within chr20:50,892,550-50,892,552 gives the same sequence; the c. name uses the placement nearest the transcript's 3' end. VCF-style (leftmost placement, unchanged base first): chr20-50892549-A-ATT. GRCh37 (hg19) VCF-style: chr20-49509086-A-ATT.
Other names: c.2163_2164dup, p.Met722fs (NM_001282532.2, NM_001347511.2, NM_015339.5 and 1 more transcripts); short protein forms M722fs.
Identifiers: ClinVar variation 1679632 (VCV001679632.1), dbSNP rs2122746369, ClinGen allele CA2573157171.

ClinVar aggregate classification (germline): Likely pathogenic (1 of 4 stars; one submission).

Conditions:
ADNP-related multiple congenital anomalies - intellectual disability - autism spectrum disorder. Also called: Helsmoortel-Van der Aa Syndrome; ADNP-Related Helsmoortel-Van der Aa Syndrome. Identifiers: Orphanet 404448, MedGen C4014538, MONDO:0014379, OMIM 615873. Disease mechanism: loss of function.

Submission:

New York Genome Center
Classification: Likely pathogenic for ADNP-related multiple congenital anomalies - intellectual disability - autism spectrum disorder. Last evaluated: 2021-05-27. Review status: criteria provided, single submitter. Criteria: NYGC Assertion Criteria 2020. Collection method: clinical testing. Allele origin: germline. Observed: 1 heterozygote. Study: CSER-NYCKidSeq.
Comment: The heterozygous frameshift variant c.2163_2164dup, p.Met722LysfsTer7 has not been reported in individuals with ADNP-related disorders. The variant is absent in the gnomAD v3.1.1 database, indicating a rare allele and it creates a premature translational stop signal expected to result in an absent or disrupted protein product. Based on the available evidence, the variant c.2163_2164dup, p.Met722LysfsTer7 in the ADNP gene is classified as likely pathogenic.